The following is an entry in ClinVar:

NM_003334.4(UBA1):c.484G>T (p.Val162Leu)

Gene: UBA1 (ubiquitin like modifier activating enzyme 1; plus strand). Cytogenetic location: Xp11.3.
Variant type: single nucleotide variant.
Coding change: c.484G>T on transcript NM_003334.4 (MANE Select); coding-DNA position 484, G replaced by T.
Protein change: p.Val162Leu; replaces valine 162 with leucine.
Molecular consequence: missense variant.
Genome position (GRCh38, 1-based): chrX:47,200,897, G>T. VCF-style: chrX-47200897-G-T. GRCh37 (hg19) VCF-style: chrX-47060296-G-T.
Other names: c.484G>T, p.Val162Leu (NM_153280.3); short protein forms V162L.
Identifiers: ClinVar variation 2799852 (VCV002799852.3), dbSNP rs1556787578, ClinGen allele CA412791527.

ClinVar aggregate classification (germline): Uncertain significance (1 of 4 stars; one submission).

Conditions:
Infantile-onset X-linked spinal muscular atrophy. Also called: AMC, DISTAL, X-LINKED; ARTHROGRYPOSIS, X-LINKED, TYPE I; SPINAL MUSCULAR ATROPHY, X-LINKED LETHAL INFANTILE; Spinal muscular atrophy, X-linked 2; Spinal Muscular Atrophy, X-Linked Infantile. Identifiers: Orphanet 1145, MedGen C1844934, MONDO:0010532, OMIM 301830.

Allele frequency attached by ClinVar (database versions not stated): gnomAD exomes 0.00001.

Submission:

Labcorp Genetics (formerly Invitae), Labcorp
Classification: Uncertain significance for Infantile-onset X-linked spinal muscular atrophy. Last evaluated: 2023-01-20. Review status: criteria provided, single submitter. Criteria: Invitae Variant Classification Sherloc (09022015). Collection method: clinical testing. Allele origin: germline.
Comment: In summary, the available evidence is currently insufficient to determine the role of this variant in disease. Therefore, it has been classified as a Variant of Uncertain Significance. This sequence change replaces valine, which is neutral and non-polar, with leucine, which is neutral and non-polar, at codon 162 of the UBA1 protein (p.Val162Leu). This variant is not present in population databases (gnomAD no frequency). This variant has not been reported in the literature in individuals affected with UBA1-related conditions. Algorithms developed to predict the effect of missense changes on protein structure and function are either unavailable or do not agree on the potential impact of this missense change (SIFT: "Deleterious"; PolyPhen-2: "Possibly Damaging"; Align-GVGD: "Class C0").